The following is an entry in ClinVar:

ClinVar aggregate classification (germline): Uncertain significance (1 of 4 stars; one submission).

Submission:

GeneDx
Classification: Uncertain significance. Last evaluated: 2022-01-28. Review status: criteria provided, single submitter. Criteria: GeneDx Variant Classification Process June 2021. Collection method: clinical testing. Allele origin: germline. Affected: yes.
Comment: Not observed at significant frequency in large population cohorts (gnomAD); In silico analysis supports that this missense variant does not alter protein structure/function; Has not been previously published as pathogenic or benign to our knowledge

NM_030632.3(ASXL3):c.5975C>T (p.Pro1992Leu)

Gene: ASXL3 (ASXL transcriptional regulator 3; plus strand). Cytogenetic location: 18q12.1.
Variant type: single nucleotide variant.
Coding change: c.5975C>T on transcript NM_030632.3 (MANE Select); coding-DNA position 5975, C replaced by T.
Protein change: p.Pro1992Leu; replaces proline 1992 with leucine.
Molecular consequence: missense variant.
Genome position (GRCh38, 1-based): chr18:33,745,823, C>T. VCF-style: chr18-33745823-C-T. GRCh37 (hg19) VCF-style: chr18-31325787-C-T.
Other names: short protein forms P1992L.
Identifiers: ClinVar variation 1699835 (VCV001699835.2), dbSNP rs2067773123, ClinGen allele CA402195896.